The following is an entry in ClinVar:

NM_024411.5(PDYN):c.342T>C (p.Ser114=)

Genes: PDYN (prodynorphin; minus strand), PDYN-AS1 (PDYN antisense RNA 1; plus strand). Cytogenetic location: 20p13.
Variant type: single nucleotide variant.
Coding change: c.342T>C on transcript NM_024411.5 (MANE Select); coding-DNA position 342, T replaced by C.
Protein change: p.Ser114=; no amino-acid change (serine 114 retained).
Molecular consequence: synonymous variant.
Genome position (GRCh38, 1-based): chr20:1,980,746, A>G on the plus strand (T>C on the coding strand, the complement: PDYN is on the minus strand). VCF-style: chr20-1980746-A-G. GRCh37 (hg19) VCF-style: chr20-1961392-A-G.
Other names: c.342T>C, p.Ser114= (NM_001190892.1, NM_001190898.3, NM_001190899.2 and 1 more transcripts).
Identifiers: ClinVar variation 4682400 (VCV004682400.1).

ClinVar aggregate classification (germline): Likely benign (1 of 4 stars; one submission).

gnomAD v4.1: 2 of 1,614,022 alleles (0.00012%); highest among the groups gnomAD compares: Admixed American, 0.0017%; no homozygotes.

Submission:

Athena Diagnostics
Classification: Likely benign. Last evaluated: 2025-04-16. Review status: criteria provided, single submitter. Criteria: Athena Diagnostics Criteria. Collection method: clinical testing. Allele origin: unknown.
Comment: Computational tools yielded predictions that this variant is unlikely to have an effect on normal RNA splicing. This nucleotide position exhibits low evolutionary conservation.